The following is an entry in ClinVar:

NM_000532.5(PCCB):c.946A>G (p.Met316Val)

Gene: PCCB (propionyl-CoA carboxylase subunit beta; plus strand). Cytogenetic location: 3q22.3.
Variant type: single nucleotide variant.
Coding change: c.946A>G on transcript NM_000532.5 (MANE Select); coding-DNA position 946, A replaced by G.
Protein change: p.Met316Val; replaces methionine 316 with valine.
Molecular consequence: missense variant.
Genome position (GRCh38, 1-based): chr3:136,301,091, A>G. VCF-style: chr3-136301091-A-G. GRCh37 (hg19) VCF-style: chr3-136019933-A-G.
Other names: c.1006A>G, p.Met336Val (NM_001178014.2); short protein forms M316V, M336V.
Identifiers: ClinVar variation 2417056 (VCV002417056.3), dbSNP rs751257723, ClinGen allele CA2631946.

ClinVar aggregate classification (germline): Uncertain significance (1 of 4 stars; one submission).

Conditions:
Propionic acidemia (PROP). Also called: GLYCINEMIA, KETOTIC; HYPERGLYCINEMIA WITH KETOACIDOSIS AND LEUKOPENIA; KETOTIC HYPERGLYCINEMIA. Identifiers: Orphanet 35, MedGen C0268579, MONDO:0011628, OMIM 606054, HP:0003571.

Allele frequency attached by ClinVar (database versions not stated): ExAC 0.00001; gnomAD 0.00003; TOPMed 0.00019.

Submission:

Labcorp Genetics (formerly Invitae), Labcorp
Classification: Uncertain significance for Propionic acidemia. Last evaluated: 2022-08-19. Review status: criteria provided, single submitter. Criteria: Invitae Variant Classification Sherloc (09022015). Collection method: clinical testing. Allele origin: germline.
Comment: This sequence change replaces methionine, which is neutral and non-polar, with valine, which is neutral and non-polar, at codon 316 of the PCCB protein (p.Met316Val). This variant is present in population databases (rs751257723, gnomAD 0.006%). This variant has not been reported in the literature in individuals affected with PCCB-related conditions. Algorithms developed to predict the effect of missense changes on protein structure and function are either unavailable or do not agree on the potential impact of this missense change (SIFT: "Deleterious"; PolyPhen-2: "Possibly Damaging"; Align-GVGD: "Class C15"). In summary, the available evidence is currently insufficient to determine the role of this variant in disease. Therefore, it has been classified as a Variant of Uncertain Significance.